The following is an entry in ClinVar:

NM_170675.5(MEIS2):c.412T>C (p.Ser138Pro)

Gene: MEIS2 (Meis homeobox 2; minus strand). Cytogenetic location: 15q14.
Variant type: single nucleotide variant.
Coding change: c.412T>C on transcript NM_170675.5 (MANE Select); coding-DNA position 412, T replaced by C.
Protein change: p.Ser138Pro; replaces serine 138 with proline.
Molecular consequence: missense variant. On other transcripts: non-coding transcript variant (1).
Genome position (GRCh38, 1-based): chr15:37,095,590, A>G on the plus strand (T>C on the coding strand, the complement: MEIS2 is on the minus strand). VCF-style: chr15-37095590-A-G. GRCh37 (hg19) VCF-style: chr15-37387791-A-G.
Other names: c.412T>C, p.Ser138Pro (NM_001220482.2, NM_170674.5, NM_170676.5 and 1 more transcripts); c.373T>C, p.Ser125Pro (NM_002399.4, NM_172315.3); c.148T>C, p.Ser50Pro (NM_172316.3); short protein forms S125P, S138P, S50P.
Identifiers: ClinVar variation 3029404 (VCV003029404.3), dbSNP rs760522172, ClinGen allele CA7469399.

ClinVar aggregate classification (germline): Uncertain significance (1 of 4 stars; one submission).

Conditions:
MEIS2-related disorder.

Allele frequency attached by ClinVar (database versions not stated): ExAC 0.00001; gnomAD exomes 0.00001.
gnomAD v4.1: 13 of 1,614,196 alleles (0.00081%); highest among the groups gnomAD compares: East Asian, 0.0045%; no homozygotes.

Submission:

PreventionGenetics, part of Exact Sciences
Classification: Uncertain significance for MEIS2-related condition. Last evaluated: 2025-07-30. Review status: criteria provided, single submitter. Criteria: ACMG Guidelines, 2015. Collection method: clinical testing. Allele origin: germline.
Comment: The MEIS2 c.412T>C variant is predicted to result in the amino acid substitution p.Ser138Pro. To our knowledge, this variant has not been reported in the literature. This variant is reported in 0.0058% of alleles in individuals of Latino descent in gnomAD. At this time, the clinical significance of this variant is uncertain due to the absence of conclusive functional and genetic evidence.